The following is an entry in ClinVar:

ClinVar aggregate classification (germline): Uncertain significance (1 of 4 stars; one submission).

Allele frequency attached by ClinVar (database versions not stated): gnomAD 0.00001; gnomAD exomes 0.00001; TOPMed 0.00001; ExAC 0.00002.

Submission:

Labcorp Genetics (formerly Invitae), Labcorp
Classification: Uncertain significance. Last evaluated: 2022-05-12. Review status: criteria provided, single submitter. Criteria: Invitae Variant Classification Sherloc (09022015). Collection method: clinical testing. Allele origin: germline.
Comment: This sequence change replaces arginine, which is basic and polar, with cysteine, which is neutral and slightly polar, at codon 29 of the CUL7 protein (p.Arg29Cys). This variant is present in population databases (rs769653276, gnomAD 0.007%). This variant has not been reported in the literature in individuals affected with CUL7-related conditions. Algorithms developed to predict the effect of missense changes on protein structure and function are either unavailable or do not agree on the potential impact of this missense change (SIFT: "Deleterious"; PolyPhen-2: "Probably Damaging"; Align-GVGD: "Class C0"). In summary, the available evidence is currently insufficient to determine the role of this variant in disease. Therefore, it has been classified as a Variant of Uncertain Significance.

NM_014780.5(CUL7):c.85C>T (p.Arg29Cys)

Gene: CUL7 (cullin 7; minus strand). Cytogenetic location: 6p21.1.
Variant type: single nucleotide variant.
Coding change: c.85C>T on transcript NM_014780.5 (MANE Select); coding-DNA position 85, C replaced by T.
Protein change: p.Arg29Cys; replaces arginine 29 with cysteine.
Molecular consequence: missense variant.
Genome position (GRCh38, 1-based): chr6:43,052,704, G>A on the plus strand (C>T on the coding strand, the complement: CUL7 is on the minus strand). VCF-style: chr6-43052704-G-A. GRCh37 (hg19) VCF-style: chr6-43020442-G-A.
Other names: c.85C>T, p.Arg29Cys (NM_001168370.2, NM_001374872.1, NM_001374873.1 and 1 more transcripts); short protein forms R29C.
Identifiers: ClinVar variation 2168015 (VCV002168015.1), dbSNP rs769653276, ClinGen allele CA3814460.
Genomic context (GRCh38, chr6:43,052,704, plus strand): 5'-CGCCACGCCGCAGGATGAGCCAACGGATCTGGTACTCAGGATGCCCATCATGGCCCACGC[G>A]CTGGCGGATCAGCTCATCAGGATAGGCATGTAAGCCGGGCCCCAGGGGCACCCTGAATTC-3'
Protein context (NP_055595.2, residues 19-39): HAYPDELIRQ[Arg29Cys]VGHDGHPEYQ